The following is an entry in ClinVar:

ClinVar aggregate classification (germline): Uncertain significance (1 of 4 stars; one submission).

Submission:

GeneDx
Classification: Uncertain significance. Last evaluated: 2023-02-11. Review status: criteria provided, single submitter. Criteria: GeneDx Variant Classification Process June 2021. Collection method: clinical testing. Allele origin: germline. Affected: yes.
Comment: Not observed at significant frequency in large population cohorts (gnomAD); In silico analysis supports that this missense variant has a deleterious effect on protein structure/function; Has not been previously published as pathogenic or benign to our knowledge

NM_001383.6(DPH1):c.437T>C (p.Leu146Pro)

Gene: DPH1 (diphthamide biosynthesis 1; plus strand). Cytogenetic location: 17p13.3.
Variant type: single nucleotide variant.
Coding change: c.437T>C on transcript NM_001383.6 (MANE Select); coding-DNA position 437, T replaced by C.
Protein change: p.Leu146Pro; replaces leucine 146 with proline.
Molecular consequence: missense variant. On other transcripts: non-coding transcript variant (3).
Genome position (GRCh38, 1-based): chr17:2,036,565, T>C. VCF-style: chr17-2036565-T-C. GRCh37 (hg19) VCF-style: chr17-1939859-T-C.
Other names: c.452T>C, p.Leu151Pro (NM_001346574.1, NM_001346575.1); c.32T>C, p.Leu11Pro (NM_001346576.2); short protein forms L11P, L146P, L151P.
Identifiers: ClinVar variation 2579545 (VCV002579545.1), dbSNP rs2543514160, ClinGen allele CA397603773.